The following is an entry in ClinVar:

NM_000419.5(ITGA2B):c.1624G>A (p.Asp542Asn)

Gene: ITGA2B (integrin subunit alpha 2b; minus strand). Cytogenetic location: 17q21.31.
Variant type: single nucleotide variant.
Coding change: c.1624G>A on transcript NM_000419.5 (MANE Select); coding-DNA position 1624, G replaced by A.
Protein change: p.Asp542Asn; replaces aspartic acid 542 with asparagine.
Molecular consequence: missense variant.
Genome position (GRCh38, 1-based): chr17:44,380,130, C>T on the plus strand (G>A on the coding strand, the complement: ITGA2B is on the minus strand). VCF-style: chr17-44380130-C-T. GRCh37 (hg19) VCF-style: chr17-42457498-C-T.
Other names: short protein forms D542N.
Identifiers: ClinVar variation 1705442 (VCV001705442.1), dbSNP rs2510079331, ClinGen allele CA399802399.
Genomic context (GRCh38, chr17:44,380,130, plus strand): 5'-TGCCTGCCTGTTGAGAGCCCAGCAGCAGCACCCGCCGGCCCTGGCGGGGCTTCTGCCGGT[C>T]CAGCTGCAGCTCGGCATTTAGGGCTGGCAGGGCAAGCAGAAGAGTCAGGACCTCCCTGGC-3'
Protein context (NP_000410.2, residues 532-552): KLSLNAELQL[Asp542Asn]RQKPRQGRRV

ClinVar aggregate classification (germline): Uncertain significance (1 of 4 stars; one submission).

Conditions:
Glanzmann thrombasthenia 1 (GT1). Also called: BLEEDING DISORDER, PLATELET-TYPE, 2; GP IIb-IIIa COMPLEX DEFICIENCY; GLYCOPROTEIN COMPLEX IIb-IIIa DEFICIENCY; PLATELET FIBRINOGEN RECEPTOR DEFICIENCY. Identifiers: MedGen CN300358, MONDO:0031332, OMIM 273800.

Submission:

3billion
Classification: Uncertain significance for Glanzmann thrombasthenia 1. Last evaluated: 2022-09-01. Review status: criteria provided, single submitter. Criteria: ACMG Guidelines, 2015. Collection method: clinical testing. Allele origin: germline. Affected: yes. Observed: 1 homozygote.
Comment: This missense variant is not observed in the gnomAD v2.1.1 dataset. In silico tool predictions suggest damaging effect of the variant on gene or gene product (REVEL: 0.61; 3Cnet: 0.59). Therefore, this variant is classified as uncertain significance according to the recommendation of ACMG/AMP guideline.